The following is an entry in ClinVar:

ClinVar aggregate classification (germline): Likely pathogenic (1 of 4 stars; one submission).

Conditions:
Retinitis pigmentosa (RP). Identifiers: Orphanet 791, MedGen C0035334, MeSH D012174, MONDO:0019200, OMIM 268000. Inheritance: Autosomal dominant, autosomal recessive and X linked inheritance.

Submission:

Ophthalmic Genetics Group, Institute of Molecular and Clinical Ophthalmology Basel
Classification: Likely pathogenic for Retinitis pigmentosa. Last evaluated: 2023-07-24. Review status: criteria provided, single submitter. Criteria: ACMG Guidelines, 2015. Collection method: research. Allele origin: germline. Affected: yes. Observed: 1 variant allele.
Comment: Clinical significance based on ACMG v2.0

This variant was classified as Likely pathogenic based on ACMG criteria: PVS1, PM2.

Literature cited by the submitters: PubMed 36909829.

NM_006915.3(RP2):c.276_277delinsA (p.Phe92fs)

Gene: RP2 (RP2 activator of ARL3 GTPase; plus strand). Cytogenetic location: Xp11.3.
Variant type: Indel.
Coding change: c.276_277delinsA on transcript NM_006915.3 (MANE Select); coding-DNA positions 276 to 277, TC replaced by A.
Protein change: p.Phe92fs; shifts the reading frame from phenylalanine 92.
Molecular consequence: frameshift variant.
Genome position (GRCh38, 1-based): chrX:46,853,649-46,853,650, TC replaced by A. VCF-style: chrX-46853649-TC-A. GRCh37 (hg19) VCF-style: chrX-46713084-TC-A.
Other names: NC_000023.10:g.46713084_46713085delinsA; NP_008846.2:p.(Phe92LeufsTer5); short protein forms F92fs.
Identifiers: ClinVar variation 2577492 (VCV002577492.2), dbSNP rs2519914078, ClinGen allele CA2580617534.